The following is an entry in ClinVar:

ClinVar aggregate classification (germline): Uncertain significance (1 of 4 stars; one submission).

Conditions:
Charcot-Marie-Tooth disease dominant intermediate B (CMTDIB). Also called: Charcot-Marie-Tooth disease dominant intermediate 1; CMT DI1; Charcot-Marie-Tooth disease dominant intermediate I; CHARCOT-MARIE-TOOTH NEUROPATHY, DOMINANT INTERMEDIATE B. Identifiers: Orphanet 100044, Orphanet 228179, MedGen C1847902, MONDO:0011674, OMIM 606482.

gnomAD v4.1: 2 of 1,470,832 alleles (0.00014%); highest among the groups gnomAD compares: Admixed American, 0.0047%; no homozygotes.

Submission:

Labcorp Genetics (formerly Invitae), Labcorp
Classification: Uncertain significance for Charcot-Marie-Tooth disease dominant intermediate B. Last evaluated: 2025-07-31. Review status: criteria provided, single submitter. Criteria: Invitae Variant Classification Sherloc (09022015). Collection method: clinical testing. Allele origin: germline.
Comment: This sequence change replaces arginine, which is basic and polar, with glycine, which is neutral and non-polar, at codon 54 of the DNM2 protein (p.Arg54Gly). This variant is not present in population databases (gnomAD no frequency). This variant has not been reported in the literature in individuals affected with DNM2-related conditions. This missense change has been observed in at least one individual who was not affected with DNM2-related conditions (internal data). ClinVar contains an entry for this variant (Variation ID: 938106). Invitae Evidence Modeling of protein sequence and biophysical properties (such as structural, functional, and spatial information, amino acid conservation, physicochemical variation, residue mobility, and thermodynamic stability) indicates that this missense variant is expected to disrupt DNM2 protein function with a positive predictive value of 80%. In summary, the available evidence is currently insufficient to determine the role of this variant in disease. Therefore, it has been classified as a Variant of Uncertain Significance.

NM_001005361.3(DNM2):c.160C>G (p.Arg54Gly)

Genes: DNM2 (dynamin 2; plus strand), LOC130063529 (ATAC-STARR-seq lymphoblastoid silent region 10090; plus strand). Cytogenetic location: 19p13.2.
Variant type: single nucleotide variant.
Coding change: c.160C>G on transcript NM_001005361.3 (MANE Select); coding-DNA position 160, C replaced by G.
Protein change: p.Arg54Gly; replaces arginine 54 with glycine.
Molecular consequence: missense variant.
Genome position (GRCh38, 1-based): chr19:10,718,402, C>G. VCF-style: chr19-10718402-C-G. GRCh37 (hg19) VCF-style: chr19-10829078-C-G.
Other names: c.160C>G, p.Arg54Gly (NM_001005360.3, NM_001005362.3, NM_001190716.2 and 1 more transcripts); short protein forms R54G.
Identifiers: ClinVar variation 938106 (VCV000938106.10), dbSNP rs1295054396, ClinGen allele CA404046901.